The following is an entry in ClinVar:

NM_001271938.2(MEGF8):c.2632G>A (p.Gly878Arg)

Gene: MEGF8 (multiple EGF like domains 8; plus strand). Cytogenetic location: 19q13.2.
Variant type: single nucleotide variant.
Coding change: c.2632G>A on transcript NM_001271938.2 (MANE Select); coding-DNA position 2632, G replaced by A.
Protein change: p.Gly878Arg; replaces glycine 878 with arginine.
Molecular consequence: missense variant.
Genome position (GRCh38, 1-based): chr19:42,350,280, G>A. VCF-style: chr19-42350280-G-A. GRCh37 (hg19) VCF-style: chr19-42854432-G-A.
Other names: c.2431G>A, p.Gly811Arg (NM_001410.3); c.2431G>A (NM_001410.2); short protein forms G811R, G878R.
Identifiers: ClinVar variation 1515973 (VCV001515973.6), dbSNP rs754432292, ClinGen allele CA9474764.
Genomic context (GRCh38, chr19:42,350,280, plus strand): 5'-TTGGCAGACCAGGGCTGTGGCTGGTGCCTGACCAGTGCCACCTGCCACCTGCGCCAGGGC[G>A]GAGCCCATTGCGGGGATGACGGGGCTGGTGGGTCCCTGCTGGTGCTGGTGCCTACCCTCT-3'
Protein context (NP_001258867.1, residues 868-888): TSATCHLRQG[Gly878Arg]AHCGDDGAGG

ClinVar aggregate classification (germline): Uncertain significance. Review status: criteria provided, multiple submitters, no conflicts (2 of 4 stars). 2 submissions from 2 submitters: Uncertain significance (2). Last evaluated 2025-02-08.

Conditions:
MEGF8-related Carpenter syndrome. Also called: Carpenter syndrome 2. Identifiers: Orphanet 65759, MedGen C3554247, MONDO:0013998, OMIM 614976.
Inborn genetic diseases. Identifiers: MedGen C0950123, MeSH D030342.

Allele frequency attached by ClinVar (database versions not stated): gnomAD 0.00003; gnomAD exomes 0.00007 and 0.00012; TOPMed 0.00008; ExAC 0.00016.
gnomAD v4.1: 115 of 1,610,806 alleles (0.0071%); highest among the groups gnomAD compares: Middle Eastern, 0.05%; no homozygotes.

Submissions (2):

Ambry Genetics
Classification: Uncertain significance for Inborn genetic diseases. Last evaluated: 2025-02-08. Review status: criteria provided, single submitter. Criteria: Ambry Variant Classification Scheme 2023. Collection method: clinical testing. Allele origin: germline.

Labcorp Genetics (formerly Invitae), Labcorp
Classification: Uncertain significance for MEGF8-related Carpenter syndrome. Last evaluated: 2022-07-06. Review status: criteria provided, single submitter. Criteria: Invitae Variant Classification Sherloc (09022015). Collection method: clinical testing. Allele origin: germline.
Comment: This sequence change replaces glycine, which is neutral and non-polar, with arginine, which is basic and polar, at codon 811 of the MEGF8 protein (p.Gly811Arg). This variant is present in population databases (rs754432292, gnomAD 0.02%). This variant has not been reported in the literature in individuals affected with MEGF8-related conditions. ClinVar contains an entry for this variant (Variation ID: 1515973). Algorithms developed to predict the effect of missense changes on protein structure and function output the following: SIFT: "Tolerated"; PolyPhen-2: "Benign"; Align-GVGD: "Class C0". The arginine amino acid residue is found in multiple mammalian species, which suggests that this missense change does not adversely affect protein function. In summary, the available evidence is currently insufficient to determine the role of this variant in disease. Therefore, it has been classified as a Variant of Uncertain Significance.